The following is an entry in ClinVar:

NM_002561.4(P2RX5):c.333del (p.Asn112fs)

Genes: P2RX5 (purinergic receptor P2X 5; minus strand), P2RX5-TAX1BP3 (P2RX5-TAX1BP3 readthrough (NMD candidate); minus strand). Cytogenetic location: 17p13.2.
Variant type: Deletion.
Coding change: c.333del on transcript NM_002561.4 (MANE Select); coding-DNA position 333, one base deleted (C; older notation c.333delC).
Protein change: p.Asn112fs; shifts the reading frame from asparagine 112.
Molecular consequence: frameshift variant. On other transcripts: non-coding transcript variant (1), intron variant (2).
Genome position (GRCh38, 1-based): chr17:3,690,983, G deleted on the plus strand (C on the coding strand, the reverse complement: P2RX5 is on the minus strand); the first of 5 consecutive G bases (chr17:3,690,983-3,690,987); deleting any one gives the same sequence. VCF-style (leftmost placement, unchanged base first): chr17-3690982-TG-T. GRCh37 (hg19) VCF-style: chr17-3594276-TG-T.
Other names: c.333del, p.Asn112fs (NM_001204519.2); c.289-303del (NM_175080.3, NM_001204520.2); short protein forms N112fs.
Identifiers: ClinVar variation 403283 (VCV000403283.4), dbSNP rs3215407, ClinGen allele CA8292845.

ClinVar aggregate classification (germline): Benign (1 of 4 stars; one submission).

Submission:

Laboratory for Molecular Medicine, Mass General Brigham Personalized Medicine
Classification: Benign. Last evaluated: 2016-03-28. Review status: criteria provided, single submitter. Criteria: LMM Criteria. Collection method: clinical testing. Allele origin: germline.
Comment: Variant identified in a genome or exome case(s) and assessed due to predicted null impact of the variant or pathogenic assertions in the literature or databases. Disclaimer: This variant has not undergone full assessment. The following are preliminary notes: Frequency in ESP (all): 6808/12518=54.38%